The following is an entry in ClinVar:

NM_000718.4(CACNA1B):c.5491A>C (p.Asn1831His)

Gene: CACNA1B (calcium voltage-gated channel subunit alpha1 B; plus strand). Cytogenetic location: 9q34.3.
Variant type: single nucleotide variant.
Coding change: c.5491A>C on transcript NM_000718.4 (MANE Select); coding-DNA position 5491, A replaced by C.
Protein change: p.Asn1831His; replaces asparagine 1831 with histidine.
Molecular consequence: missense variant.
Genome position (GRCh38, 1-based): chr9:138,112,460, A>C. VCF-style: chr9-138112460-A-C. GRCh37 (hg19) VCF-style: chr9-141006912-A-C.
Other names: c.5491A>C, p.Asn1831His (NM_001243812.2); short protein forms N1831H.
Identifiers: ClinVar variation 2015592 (VCV002015592.4), dbSNP rs1961674148, ClinGen allele CA375815862.

ClinVar aggregate classification (germline): Uncertain significance (1 of 4 stars; one submission).

Submission:

Labcorp Genetics (formerly Invitae), Labcorp
Classification: Uncertain significance. Last evaluated: 2022-07-09. Review status: criteria provided, single submitter. Criteria: Invitae Variant Classification Sherloc (09022015). Collection method: clinical testing. Allele origin: germline.
Comment: This sequence change replaces asparagine, which is neutral and polar, with histidine, which is basic and polar, at codon 1831 of the CACNA1B protein (p.Asn1831His). This variant is not present in population databases (gnomAD no frequency). In summary, the available evidence is currently insufficient to determine the role of this variant in disease. Therefore, it has been classified as a Variant of Uncertain Significance. Advanced modeling of protein sequence and biophysical properties (such as structural, functional, and spatial information, amino acid conservation, physicochemical variation, residue mobility, and thermodynamic stability) performed at Invitae indicates that this missense variant is not expected to disrupt CACNA1B protein function. This variant has not been reported in the literature in individuals affected with CACNA1B-related conditions.